The following is an entry in ClinVar:

ClinVar aggregate classification (germline): Uncertain significance. Review status: criteria provided, multiple submitters, no conflicts (2 of 4 stars). 2 submissions from 2 submitters: Uncertain significance (2). Last evaluated 2025-11-01.

Conditions:
Cardiovascular phenotype. Identifiers: MedGen CN230736.
Hereditary cancer-predisposing syndrome. Also called: Neoplastic Syndromes, Hereditary; Tumor predisposition; Hereditary Cancer Syndrome; Hereditary neoplastic syndrome. Identifiers: Orphanet 140162, MedGen C0027672, MeSH D009386, MONDO:0015356.
Neurofibromatosis, type 1 (NF1). Also called: NEUROFIBROMATOSIS, TYPE I, SOMATIC; Neurofibromatosis, type I; VON RECKLINGHAUSEN DISEASE; Peripheral type neurofibromatosis. Identifiers: Orphanet 636, MedGen C0027831, MONDO:0018975, OMIM 162200. Disease mechanism: loss of function.

gnomAD v4.1: 1 of 1,614,008 alleles (0.000062%); highest among the groups gnomAD compares: Non-Finnish European, 0.000085%; no homozygotes.

Submissions (2):

Labcorp Genetics (formerly Invitae), Labcorp
Classification: Uncertain significance for Neurofibromatosis, type 1. Last evaluated: 2025-11-01. Review status: criteria provided, single submitter. Criteria: Invitae Variant Classification Sherloc (09022015). Collection method: clinical testing. Allele origin: germline.
Comment: This sequence change replaces aspartic acid, which is acidic and polar, with asparagine, which is neutral and polar, at codon 1469 of the NF1 protein (p.Asp1469Asn). This variant is not present in population databases (gnomAD no frequency). This variant has not been reported in the literature in individuals affected with NF1-related conditions. ClinVar contains an entry for this variant (Variation ID: 4031965). Invitae Evidence Modeling of protein sequence and biophysical properties (such as structural, functional, and spatial information, amino acid conservation, physicochemical variation, residue mobility, and thermodynamic stability) indicates that this missense variant is expected to disrupt NF1 protein function with a positive predictive value of 95%. In summary, the available evidence is currently insufficient to determine the role of this variant in disease. Therefore, it has been classified as a Variant of Uncertain Significance.

Ambry Genetics
Classification: Uncertain significance for Cardiovascular phenotype; Hereditary cancer-predisposing syndrome. Last evaluated: 2025-05-19. Review status: criteria provided, single submitter. Criteria: Ambry Variant Classification Scheme 2023. Collection method: clinical testing. Allele origin: germline.
Comment: The p.D1469N variant (also known as c.4405G>A), located in coding exon 33 of the NF1 gene, results from a G to A substitution at nucleotide position 4405. The aspartic acid at codon 1469 is replaced by asparagine, an amino acid with highly similar properties. This amino acid position is conserved. In addition, this alteration is predicted to be tolerated by in silico analysis. Based on the available evidence, the clinical significance of this variant remains unclear.

NM_001042492.3(NF1):c.4468G>A (p.Asp1490Asn)

Gene: NF1 (neurofibromin 1; plus strand). Cytogenetic location: 17q11.2.
Variant type: single nucleotide variant.
Coding change: c.4468G>A on transcript NM_001042492.3 (MANE Select); coding-DNA position 4468, G replaced by A.
Protein change: p.Asp1490Asn; replaces aspartic acid 1490 with asparagine.
Molecular consequence: missense variant.
Genome position (GRCh38, 1-based): chr17:31,260,406, G>A. VCF-style: chr17-31260406-G-A. GRCh37 (hg19) VCF-style: chr17-29587424-G-A.
Other names: c.4405G>A, p.Asp1469Asn (NM_000267.4); short protein forms D1490N, D1469N.
Identifiers: ClinVar variation 4031965 (VCV004031965.2).